The following is an entry in ClinVar:

ClinVar aggregate classification (germline): Pathogenic. Review status: criteria provided, multiple submitters, no conflicts (2 of 4 stars). 3 submissions from 3 submitters: Pathogenic (3). Last evaluated 2024-08-27.

Conditions:
Hereditary cancer-predisposing syndrome. Also called: Neoplastic Syndromes, Hereditary; Tumor predisposition; Hereditary neoplastic syndrome; Hereditary Cancer Syndrome. Identifiers: Orphanet 140162, MedGen C0027672, MeSH D009386, MONDO:0015356.
Familial adenomatous polyposis 1 (FAP1). Also called: POLYPOSIS, ADENOMATOUS INTESTINAL; FAMILIAL ADENOMATOUS POLYPOSIS 1, ATTENUATED. Identifiers: MedGen C2713442, MONDO:0021056, OMIM 175100. Disease mechanism: loss of function.

Submissions (3):

Myriad Genetics, Inc.
Classification: Pathogenic for Familial adenomatous polyposis 1. Last evaluated: 2024-08-27. Review status: criteria provided, single submitter. Criteria: Myriad Autosomal Dominant, Autosomal Recessive and X-Linked Classification Criteria (2023). Collection method: clinical testing. Allele origin: unknown.
Comment: This variant is considered pathogenic. This variant creates a termination codon and is predicted to result in premature protein truncation.

Color Diagnostics, LLC DBA Color Health
Classification: Pathogenic for Hereditary cancer-predisposing syndrome. Last evaluated: 2020-04-15. Review status: criteria provided, single submitter. Criteria: ACMG Guidelines, 2015. Collection method: clinical testing. Allele origin: germline.
Comment: This variant changes 1 nucleotide, creating a premature translation stop signal in the last coding exon of the APC gene. While this mutant transcript is predicted to escape nonsense-mediated decay, it is expected to delete 274 amino acids at the C-terminal end of the APC protein and disrupt the EB1 and HDLG binding domains. This variant has been reported in an individual affected with familial adenomatous polyposis (PMID: 23159591). This variant has not been identified in the general population by the Genome Aggregation Database (gnomAD). Loss of APC function is a known mechanism of disease. Based on the available evidence, this variant is classified as Pathogenic.

Ambry Genetics
Classification: Pathogenic for Hereditary cancer-predisposing syndrome. Last evaluated: 2018-01-25. Review status: criteria provided, single submitter. Criteria: Ambry Variant Classification Scheme 2023. Collection method: clinical testing. Allele origin: germline.
Comment: The p.S2570* pathogenic mutation (also known as c.7709C>G), located in coding exon 15 of the APC gene, results from a C to G substitution at nucleotide position 7709. This changes the amino acid from a serine to a stop codon within coding exon 15. In a large (n=1591) series of patients referred for APC testing, this alteration was detected in 1 individual and interpreted as pathogenic (Kerr SE et al. J Mol Diagn, 2013 Jan;15:31-43). In addition to the published data, this alteration is expected to result in loss of function by premature protein truncation or nonsense-mediated mRNA decay. As such, this alteration is interpreted as a disease-causing mutation.

Literature cited by the submitters: PubMed 23159591 (cited by Ambry Genetics).

NM_000038.6(APC):c.7709C>G (p.Ser2570Ter)

Gene: APC (APC regulator of Wnt signaling pathway; plus strand). Cytogenetic location: 5q22.2.
Variant type: single nucleotide variant.
Coding change: c.7709C>G on transcript NM_000038.6 (MANE Select); coding-DNA position 7709, C replaced by G.
Protein change: p.Ser2570Ter; replaces serine 2570 with a stop codon.
Molecular consequence: nonsense.
Genome position (GRCh38, 1-based): chr5:112,843,303, C>G. VCF-style: chr5-112843303-C-G. GRCh37 (hg19) VCF-style: chr5-112179000-C-G.
Other names: c.7709C>G, p.Ser2570Ter (NM_001127510.3, NM_001354895.2); c.7655C>G, p.Ser2552Ter (NM_001127511.3); c.7763C>G, p.Ser2588Ter (NM_001354896.2); c.7739C>G, p.Ser2580Ter (NM_001354897.2); c.7634C>G, p.Ser2545Ter (NM_001354898.2); c.7625C>G, p.Ser2542Ter (NM_001354899.2); c.7586C>G, p.Ser2529Ter (NM_001354900.2); c.7532C>G, p.Ser2511Ter (NM_001354901.2); and 5 more; short protein forms S2552*, S2570*, S2410*, S2469*, S2542*, S2580*, S2287*, S2529*.
Identifiers: ClinVar variation 628123 (VCV000628123.9), dbSNP rs1561617778, ClinGen allele CA16038078.